The following is an entry in ClinVar:

NM_020921.4(NIN):c.220A>T (p.Ile74Phe)

Gene: NIN (ninein; minus strand). Cytogenetic location: 14q22.1.
Variant type: single nucleotide variant.
Coding change: c.220A>T on transcript NM_020921.4 (MANE Select); coding-DNA position 220, A replaced by T.
Protein change: p.Ile74Phe; replaces isoleucine 74 with phenylalanine.
Molecular consequence: missense variant.
Genome position (GRCh38, 1-based): chr14:50,806,782, T>A on the plus strand (A>T on the coding strand, the complement: NIN is on the minus strand). VCF-style: chr14-50806782-T-A. GRCh37 (hg19) VCF-style: chr14-51273500-T-A.
Other names: c.220A>T, p.Ile74Phe (NM_182944.3, NM_182946.2, NM_016350.5); c.220A>T (NM_020921.3); short protein forms I74F.
Identifiers: ClinVar variation 2969407 (VCV002969407.4), dbSNP rs919930968, ClinGen allele CA260843648.

ClinVar aggregate classification (germline): Uncertain significance. Review status: criteria provided, multiple submitters, no conflicts (2 of 4 stars). 2 submissions from 2 submitters: Uncertain significance (2). Last evaluated 2025-05-24.

gnomAD v4.1: 6 of 1,582,056 alleles (0.00038%); highest among the groups gnomAD compares: Admixed American, 0.0034%; no homozygotes.

Submissions (2):

Labcorp Genetics (formerly Invitae), Labcorp
Classification: Uncertain significance. Last evaluated: 2025-05-24. Review status: criteria provided, single submitter. Criteria: Invitae Variant Classification Sherloc (09022015). Collection method: clinical testing. Allele origin: germline.
Comment: This sequence change replaces isoleucine, which is neutral and non-polar, with phenylalanine, which is neutral and non-polar, at codon 74 of the NIN protein (p.Ile74Phe). This variant is not present in population databases (gnomAD no frequency). This variant has not been reported in the literature in individuals affected with NIN-related conditions. ClinVar contains an entry for this variant (Variation ID: 2969407). An algorithm developed to predict the effect of missense changes on protein structure and function (PolyPhen-2) suggests that this variant is likely to be disruptive. In summary, the available evidence is currently insufficient to determine the role of this variant in disease. Therefore, it has been classified as a Variant of Uncertain Significance.

Ambry Genetics
Classification: Uncertain significance. Last evaluated: 2024-03-30. Review status: criteria provided, single submitter. Criteria: Ambry Variant Classification Scheme 2023. Collection method: clinical testing. Allele origin: germline.